The following is an entry in ClinVar:

NM_001042492.3(NF1):c.1219C>T (p.His407Tyr)

Gene: NF1 (neurofibromin 1; plus strand). Cytogenetic location: 17q11.2.
Variant type: single nucleotide variant.
Coding change: c.1219C>T on transcript NM_001042492.3 (MANE Select); coding-DNA position 1219, C replaced by T.
Protein change: p.His407Tyr; replaces histidine 407 with tyrosine.
Molecular consequence: missense variant.
Genome position (GRCh38, 1-based): chr17:31,201,444, C>T. VCF-style: chr17-31201444-C-T. GRCh37 (hg19) VCF-style: chr17-29528462-C-T.
Other names: c.1219C>T, p.His407Tyr (NM_000267.4, NM_001128147.3); short protein forms H407Y.
Identifiers: ClinVar variation 640138 (VCV000640138.7), dbSNP rs1156614886, ClinGen allele CA398997578.

ClinVar aggregate classification (germline): Conflicting classifications of pathogenicity. Review status: criteria provided, conflicting classifications (1 of 4 stars). 3 submissions from 3 submitters: Likely pathogenic (1); Uncertain significance (2). Last evaluated 2023-11-06.

Conditions:
Juvenile myelomonocytic leukemia (JMML). Also called: LEUKEMIA, JUVENILE MYELOMONOCYTIC, SOMATIC. Identifiers: Orphanet 86834, MedGen C0349639, MONDO:0011908, OMIM 607785, HP:0012209.
Neurofibromatosis, type 1 (NF1). Also called: NEUROFIBROMATOSIS, TYPE I, SOMATIC; VON RECKLINGHAUSEN DISEASE; Neurofibromatosis, type I; Peripheral type neurofibromatosis. Identifiers: Orphanet 636, MedGen C0027831, MONDO:0018975, OMIM 162200. Disease mechanism: loss of function.
Hereditary cancer-predisposing syndrome. Also called: Neoplastic Syndromes, Hereditary; Hereditary Cancer Syndrome; Hereditary neoplastic syndrome; Tumor predisposition. Identifiers: Orphanet 140162, MedGen C0027672, MeSH D009386, MONDO:0015356.

Allele frequency attached by ClinVar (database versions not stated): gnomAD 0.00001.

Submissions (3):

Institute for Biomarker Research, Medical Diagnostic Laboratories, L.L.C.
Classification: Likely pathogenic for Hereditary cancer-predisposing syndrome. Last evaluated: 2023-11-06. Review status: criteria provided, single submitter. Criteria: ACMG Guidelines, 2015. Collection method: clinical testing. Allele origin: germline.

Baylor Genetics
Classification: Uncertain significance for Juvenile myelomonocytic leukemia. Last evaluated: 2023-08-01. Review status: criteria provided, single submitter. Criteria: ACMG Guidelines, 2015. Collection method: clinical testing. Allele origin: unknown.

Labcorp Genetics (formerly Invitae), Labcorp
Classification: Uncertain significance for Neurofibromatosis, type 1. Last evaluated: 2020-08-14. Review status: criteria provided, single submitter. Criteria: Invitae Variant Classification Sherloc (09022015). Collection method: clinical testing. Allele origin: germline.
Comment: This sequence change replaces histidine with tyrosine at codon 407 of the NF1 protein (p.His407Tyr). The histidine residue is highly conserved and there is a moderate physicochemical difference between histidine and tyrosine. This variant is not present in population databases (ExAC no frequency). This variant has not been reported in the literature in individuals with NF1-related disease. Algorithms developed to predict the effect of missense changes on protein structure and function are either unavailable or do not agree on the potential impact of this missense change (SIFT: "Tolerated"; PolyPhen-2: "Probably Damaging"; Align-GVGD: "Class C0"). In summary, the available evidence is currently insufficient to determine the role of this variant in disease. Therefore, it has been classified as a Variant of Uncertain Significance.